The following is an entry in ClinVar:

ClinVar aggregate classification (germline): Uncertain significance. Review status: criteria provided, multiple submitters, no conflicts (2 of 4 stars). 2 submissions from 2 submitters: Uncertain significance (2). Last evaluated 2022-12-02.

Conditions:
Ataxia-telangiectasia syndrome (AT). Also called: Ataxia telangiectasia (A-T); Ataxia-telangiectasia, complementation group E; LOUIS-BAR SYNDROME; Cerebello-oculocutaneous telangiectasia; Immunodeficiency with ataxia telangiectasia; Ataxia-telangiectasia, complementation group D. Identifiers: Orphanet 100, MedGen C0004135, MONDO:0008840, OMIM 208900.
Hereditary cancer-predisposing syndrome. Also called: Hereditary Cancer Syndrome; Neoplastic Syndromes, Hereditary; Tumor predisposition; Hereditary neoplastic syndrome. Identifiers: Orphanet 140162, MedGen C0027672, MeSH D009386, MONDO:0015356.

Allele frequency attached by ClinVar (database versions not stated): gnomAD 0.00001.
gnomAD v4.1: 1 of 1,551,396 alleles (0.000064%); highest among the groups gnomAD compares: East Asian, 0.0023%; no homozygotes.

Submissions (2):

Ambry Genetics
Classification: Uncertain significance for Hereditary cancer-predisposing syndrome. Last evaluated: 2022-12-02. Review status: criteria provided, single submitter. Criteria: Ambry Variant Classification Scheme 2023. Collection method: clinical testing. Allele origin: germline.
Comment: The p.L1541F variant (also known as c.4623G>T), located in coding exon 30 of the ATM gene, results from a G to T substitution at nucleotide position 4623. The leucine at codon 1541 is replaced by phenylalanine, an amino acid with highly similar properties. This amino acid position is highly conserved in available vertebrate species. In addition, this alteration is predicted to be deleterious by in silico analysis. Since supporting evidence is limited at this time, the clinical significance of this alteration remains unclear.

Labcorp Genetics (formerly Invitae), Labcorp
Classification: Uncertain significance for Ataxia-telangiectasia syndrome. Last evaluated: 2022-03-08. Review status: criteria provided, single submitter. Criteria: Invitae Variant Classification Sherloc (09022015). Collection method: clinical testing. Allele origin: germline.
Comment: This variant has not been reported in the literature in individuals affected with ATM-related conditions. This variant is not present in population databases (gnomAD no frequency). This sequence change replaces leucine, which is neutral and non-polar, with phenylalanine, which is neutral and non-polar, at codon 1541 of the ATM protein (p.Leu1541Phe). In summary, the available evidence is currently insufficient to determine the role of this variant in disease. Therefore, it has been classified as a Variant of Uncertain Significance. Advanced modeling of protein sequence and biophysical properties (such as structural, functional, and spatial information, amino acid conservation, physicochemical variation, residue mobility, and thermodynamic stability) performed at Invitae indicates that this missense variant is not expected to disrupt ATM protein function. ClinVar contains an entry for this variant (Variation ID: 232865).

NM_000051.4(ATM):c.4623G>T (p.Leu1541Phe)

Gene: ATM (ATM serine/threonine kinase; plus strand). Cytogenetic location: 11q22.3.
Variant type: single nucleotide variant.
Coding change: c.4623G>T on transcript NM_000051.4 (MANE Select); coding-DNA position 4623, G replaced by T.
Protein change: p.Leu1541Phe; replaces leucine 1541 with phenylalanine.
Molecular consequence: missense variant.
Genome position (GRCh38, 1-based): chr11:108,293,324, G>T. VCF-style: chr11-108293324-G-T. GRCh37 (hg19) VCF-style: chr11-108164051-G-T.
Other names: c.4623G>T, p.Leu1541Phe (NM_001351834.2); short protein forms L1541F.
Identifiers: ClinVar variation 232865 (VCV000232865.16), dbSNP rs3092849, ClinGen allele CA10579156.
Genomic context (GRCh38, chr11:108,293,324, plus strand): 5'-TTAAAATTATTTCTCTCCTTATAATTTTTTCTTTTTAAATTATATTTAGGTATTGGACTT[G>T]TTGAAATACTTAGTGATAGATAACAAGGATAATGAAAACCTCTATATCACGATTAAGCTT-3'
Protein context (NP_000042.3, residues 1531-1551): QVEVQKQVLD[Leu1541Phe]LKYLVIDNKD